The following is an entry in ClinVar:

NM_004612.4(TGFBR1):c.1292_1295dup (p.Pro433fs)

Gene: TGFBR1 (transforming growth factor beta receptor 1; plus strand). Cytogenetic location: 9q22.33.
Variant type: Duplication.
Coding change: c.1292_1295dup on transcript NM_004612.4 (MANE Select); coding-DNA positions 1292 to 1295, 4 bases duplicated (TTGT; older notation c.1292_1295dupTTGT).
Protein change: p.Pro433fs; shifts the reading frame from proline 433.
Molecular consequence: frameshift variant. On other transcripts: non-coding transcript variant (4).
Genome position (GRCh38, 1-based): chr9:99,147,690-99,147,693, TTGT duplicated. VCF-style (leftmost placement, unchanged base first): chr9-99147689-C-CTTGT. GRCh37 (hg19) VCF-style: chr9-101909971-C-CTTGT.
Other names: c.1061_1064dup, p.Pro356fs (NM_001130916.3, NM_001407435.1); c.1304_1307dup, p.Pro437fs (NM_001306210.2); c.1136_1139dup, p.Pro381fs (NM_001407416.1); c.1124_1127dup, p.Pro377fs (NM_001407417.1); c.1097_1100dup, p.Pro368fs (NM_001407418.1, NM_001407419.1, NM_001407420.1 and 1 more transcripts); c.1085_1088dup, p.Pro364fs (NM_001407423.1, NM_001407424.1, NM_001407425.1 and 8 more transcripts); c.1046_1049dup, p.Pro351fs (NM_001407436.1); c.584_587dup, p.Pro197fs (NM_001407437.1); and 1 more; short protein forms P197fs, P274fs, P351fs, P356fs, P364fs, P368fs, P377fs, P381fs.
Identifiers: ClinVar variation 3386049 (VCV003386049.1).

ClinVar aggregate classification (germline): Uncertain significance (1 of 4 stars; one submission).

Conditions:
Loeys-Dietz syndrome (LDS). Identifiers: Orphanet 60030, MedGen C2697932, MONDO:0018954.

Submission:

All of Us Research Program, National Institutes of Health
Classification: Uncertain significance for Loeys-Dietz syndrome. Last evaluated: 2024-09-23. Review status: criteria provided, single submitter. Criteria: ACMG Guidelines, 2015. Collection method: clinical testing. Allele origin: germline. Inheritance: Autosomal dominant inheritance. Observed: 1 variant allele, 1 heterozygote.
Comment: This study involves interpretation of variants in research participants for the purpose of population health screening. Participant phenotype was not available at the time of variant classification. Additional details can be found in publication PMID: 35346344, PMCID: PMC8962531